The following is an entry in ClinVar:

ClinVar aggregate classification (germline): not provided (0 of 4 stars; one submission).

Allele frequency attached by ClinVar (database versions not stated): gnomAD 0.00642 and 0.00689; ESP Exome Variant Server 0.00646; TOPMed 0.00762; 1000 Genomes Project 0.00958; 1000 Genomes Project 30x 0.01124.
gnomAD v4.1: 1,874 of 1,608,184 alleles (0.12%); highest among the groups gnomAD compares: African/African-American, 2.1%; 20 homozygotes.

Submissions (3):

ITMI
No classification provided. Condition: AllHighlyPenetrant. Last evaluated: 2013-09-19. Review status: no classification provided. Collection method: reference population. Allele origin: germline.
Comment: Please see associated publication for description of ethnicities

Dr. Peter K. Rogan Lab, Western University
No classification provided (evidence only). Condition: Sarcoma. Review status: no classification provided. Collection method: in vitro. Allele origin: not applicable. Functional consequence: retained intron. Not counted in ClinVar's aggregate classification.

Dr. Peter K. Rogan Lab, Western University
No classification provided (evidence only). Condition: Sarcoma. Review status: no classification provided. Collection method: in vitro. Allele origin: not applicable. Functional consequence: skipped exon, retained intron. Not counted in ClinVar's aggregate classification.

Literature cited by the submitters: PubMed 24728327 (cited by ITMI).

NM_001077706.3(ECT2L):c.1579-1G>C

Gene: ECT2L (epithelial cell transforming 2 like; plus strand). Cytogenetic location: 6q24.1.
Variant type: single nucleotide variant.
Coding change: c.1579-1G>C on transcript NM_001077706.3 (MANE Select); the canonical splice acceptor site of the intron before coding-DNA position 1579, G replaced by C.
Molecular consequence: splice acceptor variant.
Genome position (GRCh38, 1-based): chr6:138,876,471, G>C. VCF-style: chr6-138876471-G-C. GRCh37 (hg19) VCF-style: chr6-139197608-G-C.
Other names: NC_000006.11:g.139197608G>C; c.1579-1G>C (NM_001195037.2).
Identifiers: ClinVar variation 135515 (VCV000135515.2), dbSNP rs79069095, ClinGen allele CA162970.